The following is an entry in ClinVar:

NM_022370.4(ROBO3):c.1726T>C (p.Trp576Arg)

Gene: ROBO3 (roundabout guidance receptor 3; plus strand). Cytogenetic location: 11q24.2.
Variant type: single nucleotide variant.
Coding change: c.1726T>C on transcript NM_022370.4 (MANE Select); coding-DNA position 1726, T replaced by C.
Protein change: p.Trp576Arg; replaces tryptophan 576 with arginine.
Molecular consequence: missense variant.
Genome position (GRCh38, 1-based): chr11:124,873,804, T>C. VCF-style: chr11-124873804-T-C. GRCh37 (hg19) VCF-style: chr11-124743700-T-C.
Other names: short protein forms W576R.
Identifiers: ClinVar variation 996107 (VCV000996107.1), dbSNP rs1946311947, ClinGen allele CA383144954.
Genomic context (GRCh38, chr11:124,873,804, plus strand): 5'-CCGGGGGCTCCCTCTCAGCCAGTGGTCACTGAGATCACCAAGAACAGCATTACCCTGACC[T>C]GGAAGCCCAACCCACAAACTGGGGCTGCAGTCACGTCTTATGTGATAGAGGCCTTCAGGT-3'
Protein context (NP_071765.2, residues 566-586): EITKNSITLT[Trp576Arg]KPNPQTGAAV

ClinVar aggregate classification (germline): Likely pathogenic (1 of 4 stars; one submission).

Conditions:
Gaze palsy, familial horizontal, with progressive scoliosis 1 (HGPPS1). Identifiers: Orphanet 2744, MedGen C4551964, MONDO:0020790, OMIM 607313.

Submission:

Institute of Human Genetics, University of Leipzig Medical Center
Classification: Likely pathogenic for Gaze palsy, familial horizontal, with progressive scoliosis 1. Last evaluated: 2021-01-10. Review status: criteria provided, single submitter. Criteria: ACMG Guidelines, 2015. Collection method: curation. Allele origin: germline. Inheritance: Autosomal recessive inheritance. Affected: yes.
Comment: This ROBO3 variant was reported as Pathogenicâ€‹ in PMID: 18829051 with original nomenclature reported as c.1726T>C, W576R. Variant was re-classified as Likely Pathogenic based on the criteria PM2_Supporting, PM3_Moderate, PP3_Supporting, PP4_Supporting.

Literature cited by the submitters: PubMed 18829051.